The following is an entry in ClinVar:

ClinVar aggregate classification (germline): Uncertain significance (1 of 4 stars; one submission).

Conditions:
Dyskeratosis congenita. Identifiers: Orphanet 1775, MedGen C0265965, MONDO:0015780.

gnomAD v4.1: 1 of 1,599,654 alleles (0.000063%); highest among the groups gnomAD compares: Non-Finnish European, 0.000085%; no homozygotes.

Submission:

Labcorp Genetics (formerly Invitae), Labcorp
Classification: Uncertain significance for Dyskeratosis congenita. Last evaluated: 2025-08-04. Review status: criteria provided, single submitter. Criteria: Invitae Variant Classification Sherloc (09022015). Collection method: clinical testing. Allele origin: germline.
Comment: This sequence change replaces cysteine, which is neutral and slightly polar, with phenylalanine, which is neutral and non-polar, at codon 482 of the CTC1 protein (p.Cys482Phe). The frequency data for this variant in the population databases is considered unreliable, as metrics indicate poor data quality at this position in the gnomAD database. This variant has not been reported in the literature in individuals affected with CTC1-related conditions. Invitae Evidence Modeling of protein sequence and biophysical properties (such as structural, functional, and spatial information, amino acid conservation, physicochemical variation, residue mobility, and thermodynamic stability) indicates that this missense variant is expected to disrupt CTC1 protein function with a positive predictive value of 80%. In summary, the available evidence is currently insufficient to determine the role of this variant in disease. Therefore, it has been classified as a Variant of Uncertain Significance.

NM_025099.6(CTC1):c.1445G>T (p.Cys482Phe)

Gene: CTC1 (CST telomere replication complex component 1; minus strand). Cytogenetic location: 17p13.1.
Variant type: single nucleotide variant.
Coding change: c.1445G>T on transcript NM_025099.6 (MANE Select); coding-DNA position 1445, G replaced by T.
Protein change: p.Cys482Phe; replaces cysteine 482 with phenylalanine.
Molecular consequence: missense variant. On other transcripts: non-coding transcript variant (1).
Genome position (GRCh38, 1-based): chr17:8,234,921, C>A on the plus strand (G>T on the coding strand, the complement: CTC1 is on the minus strand). VCF-style: chr17-8234921-C-A. GRCh37 (hg19) VCF-style: chr17-8138239-C-A.
Other names: c.1445G>T, p.Cys482Phe (NM_001411067.1); short protein forms C482F.
Identifiers: ClinVar variation 4702008 (VCV004702008.1).